The following is an entry in ClinVar:

NM_016058.5(TPRKB):c.86T>G (p.Leu29Trp)

Gene: TPRKB (TP53RK binding protein; minus strand). Cytogenetic location: 2p13.1.
Variant type: single nucleotide variant.
Coding change: c.86T>G on transcript NM_016058.5 (MANE Select); coding-DNA position 86, T replaced by G.
Protein change: p.Leu29Trp; replaces leucine 29 with tryptophan.
Molecular consequence: missense variant. On other transcripts: 5 prime UTR variant (1), intron variant (2).
Genome position (GRCh38, 1-based): chr2:73,734,484, A>C on the plus strand (T>G on the coding strand, the complement: TPRKB is on the minus strand). VCF-style: chr2-73734484-A-C. GRCh37 (hg19) VCF-style: chr2-73961611-A-C.
Other names: c.86T>G, p.Leu29Trp (NM_001330386.2, NM_001330387.2, NM_001330388.2 and 1 more transcripts); c.-90T>G (NM_001330390.2); c.42+44T>G (NM_001330391.2, NM_001330392.2); short protein forms L29W.
Identifiers: ClinVar variation 3696871 (VCV003696871.2).
Genomic context (GRCh38, chr2:73,734,484, plus strand): 5'-TTTACCACTGTAGGATTTATCAGTGATCCATCGATGGTGCCTTCCATGGCCTTTCTTCTC[A>C]AGTCTCCCGCATTTTTTACATCTTTAAATAACAGAAGGGTTACCCTGCATTCGGGAAATA-3'
Protein context (NP_057142.1, residues 19-39): LFKDVKNAGD[Leu29Trp]RRKAMEGTID

ClinVar aggregate classification (germline): Uncertain significance (1 of 4 stars; one submission).

gnomAD v4.1: 3 of 1,613,992 alleles (0.00019%); highest among the groups gnomAD compares: African/African-American, 0.0013%; no homozygotes.

Submission:

Labcorp Genetics (formerly Invitae), Labcorp
Classification: Uncertain significance. Last evaluated: 2024-05-27. Review status: criteria provided, single submitter. Criteria: Invitae Variant Classification Sherloc (09022015). Collection method: clinical testing. Allele origin: germline.
Comment: This sequence change replaces leucine, which is neutral and non-polar, with tryptophan, which is neutral and slightly polar, at codon 29 of the TPRKB protein (p.Leu29Trp). This variant is not present in population databases (gnomAD no frequency). This variant has not been reported in the literature in individuals affected with TPRKB-related conditions. An algorithm developed to predict the effect of missense changes on protein structure and function (PolyPhen-2) suggests that this variant is likely to be disruptive. In summary, the available evidence is currently insufficient to determine the role of this variant in disease. Therefore, it has been classified as a Variant of Uncertain Significance.